The following is an entry in ClinVar:

ClinVar aggregate classification (germline): Uncertain significance (1 of 4 stars; one submission).

Conditions:
Neutropenia, severe congenital, 2, autosomal dominant. Identifiers: Orphanet 486, MedGen C2751288, MONDO:0013139, OMIM 613107.

Submission:

Labcorp Genetics (formerly Invitae), Labcorp
Classification: Uncertain significance for Neutropenia, severe congenital, 2, autosomal dominant. Last evaluated: 2023-07-06. Review status: criteria provided, single submitter. Criteria: Invitae Variant Classification Sherloc (09022015). Collection method: clinical testing. Allele origin: germline.
Comment: In summary, the available evidence is currently insufficient to determine the role of this variant in disease. Therefore, it has been classified as a Variant of Uncertain Significance. Advanced modeling of protein sequence and biophysical properties (such as structural, functional, and spatial information, amino acid conservation, physicochemical variation, residue mobility, and thermodynamic stability) performed at Invitae indicates that this missense variant is not expected to disrupt GFI1 protein function. This variant has not been reported in the literature in individuals affected with GFI1-related conditions. This variant is not present in population databases (gnomAD no frequency). This sequence change replaces threonine, which is neutral and polar, with alanine, which is neutral and non-polar, at codon 215 of the GFI1 protein (p.Thr215Ala).

NM_005263.5(GFI1):c.643A>G (p.Thr215Ala)

Gene: GFI1 (growth factor independent 1 transcriptional repressor; minus strand). Cytogenetic location: 1p22.1.
Variant type: single nucleotide variant.
Coding change: c.643A>G on transcript NM_005263.5 (MANE Select); coding-DNA position 643, A replaced by G.
Protein change: p.Thr215Ala; replaces threonine 215 with alanine.
Molecular consequence: missense variant.
Genome position (GRCh38, 1-based): chr1:92,480,744, T>C on the plus strand (A>G on the coding strand, the complement: GFI1 is on the minus strand). VCF-style: chr1-92480744-T-C. GRCh37 (hg19) VCF-style: chr1-92946301-T-C.
Other names: c.643A>G, p.Thr215Ala (NM_001127215.3, NM_001127216.3); short protein forms T215A.
Identifiers: ClinVar variation 2736432 (VCV002736432.3), dbSNP rs2524725442, ClinGen allele CA341149422.